The following is an entry in ClinVar:

ClinVar aggregate classification (germline): Uncertain significance (1 of 4 stars; one submission).

Submission:

Labcorp Genetics (formerly Invitae), Labcorp
Classification: Uncertain significance. Last evaluated: 2024-05-15. Review status: criteria provided, single submitter. Criteria: Invitae Variant Classification Sherloc (09022015). Collection method: clinical testing. Allele origin: germline.
Comment: This sequence change replaces aspartic acid, which is acidic and polar, with tyrosine, which is neutral and polar, at codon 1056 of the NALCN protein (p.Asp1056Tyr). This variant is not present in population databases (gnomAD no frequency). This variant has not been reported in the literature in individuals affected with NALCN-related conditions. ClinVar contains an entry for this variant (Variation ID: 2067120). Advanced modeling of protein sequence and biophysical properties (such as structural, functional, and spatial information, amino acid conservation, physicochemical variation, residue mobility, and thermodynamic stability) performed at Invitae indicates that this missense variant is not expected to disrupt NALCN protein function with a negative predictive value of 80%. In summary, the available evidence is currently insufficient to determine the role of this variant in disease. Therefore, it has been classified as a Variant of Uncertain Significance.

NM_052867.4(NALCN):c.3166G>T (p.Asp1056Tyr)

Gene: NALCN (sodium leak channel, non-selective; minus strand). Cytogenetic location: 13q32.3.
Variant type: single nucleotide variant.
Coding change: c.3166G>T on transcript NM_052867.4 (MANE Select); coding-DNA position 3166, G replaced by T.
Protein change: p.Asp1056Tyr; replaces aspartic acid 1056 with tyrosine.
Molecular consequence: missense variant.
Genome position (GRCh38, 1-based): chr13:101,095,677, C>A on the plus strand (G>T on the coding strand, the complement: NALCN is on the minus strand). VCF-style: chr13-101095677-C-A. GRCh37 (hg19) VCF-style: chr13-101748028-C-A.
Other names: c.3253G>T, p.Asp1085Tyr (NM_001350748.2); c.3166G>T, p.Asp1056Tyr (NM_001350749.2); c.3079G>T, p.Asp1027Tyr (NM_001350750.2, NM_001350751.2); short protein forms D1056Y, D1085Y, D1027Y.
Identifiers: ClinVar variation 2067120 (VCV002067120.4), dbSNP rs2502085793, ClinGen allele CA388653714.